The following is an entry in ClinVar:

NM_004304.5(ALK):c.3562C>T (p.Gln1188Ter)

Gene: ALK (ALK receptor tyrosine kinase; minus strand). Cytogenetic location: 2p23.2.
Variant type: single nucleotide variant.
Coding change: c.3562C>T on transcript NM_004304.5 (MANE Select); coding-DNA position 3562, C replaced by T.
Protein change: p.Gln1188Ter; replaces glutamine 1188 with a stop codon.
Molecular consequence: nonsense.
Genome position (GRCh38, 1-based): chr2:29,220,789, G>A on the plus strand (C>T on the coding strand, the complement: ALK is on the minus strand). VCF-style: chr2-29220789-G-A. GRCh37 (hg19) VCF-style: chr2-29443655-G-A.
Other names: c.358C>T, p.Gln120Ter (NM_001353765.2); short protein forms Q1188*, Q120*.
Identifiers: ClinVar variation 1732720 (VCV001732720.2), dbSNP rs1669781283, ClinGen allele CA346473103.

ClinVar aggregate classification (germline): Uncertain significance (1 of 4 stars; one submission).

Conditions:
Hereditary cancer-predisposing syndrome. Also called: Neoplastic Syndromes, Hereditary; Tumor predisposition; Hereditary Cancer Syndrome; Hereditary neoplastic syndrome. Identifiers: Orphanet 140162, MedGen C0027672, MeSH D009386, MONDO:0015356.

Allele frequency attached by ClinVar (database versions not stated): TOPMed below 0.00001.

Submission:

Ambry Genetics
Classification: Uncertain significance for Hereditary cancer-predisposing syndrome. Last evaluated: 2021-03-29. Review status: criteria provided, single submitter. Criteria: Ambry Variant Classification Scheme 2023. Collection method: clinical testing. Allele origin: germline.
Comment: The p.Q1188* variant (also known as c.3562C>T), located in coding exon 23 of the ALK gene, results from a C to T substitution at nucleotide position 3562. This changes the amino acid from a glutamine to a stop codon within coding exon 23. This alteration is expected to result in premature protein truncation or nonsense-mediated mRNA decay. However, loss of function of ALK has not been clearly established as a mechanism of disease. Since supporting evidence is limited at this time, the clinical significance of this alteration remains unclear.